The following is an entry in ClinVar:

NM_006070.6(TFG):c.1166G>A (p.Gly389Asp)

Gene: TFG (trafficking from ER to golgi regulator; plus strand). Cytogenetic location: 3q12.2.
Variant type: single nucleotide variant.
Coding change: c.1166G>A on transcript NM_006070.6 (MANE Select); coding-DNA position 1166, G replaced by A.
Protein change: p.Gly389Asp; replaces glycine 389 with aspartic acid.
Molecular consequence: missense variant.
Genome position (GRCh38, 1-based): chr3:100,748,494, G>A. VCF-style: chr3-100748494-G-A. GRCh37 (hg19) VCF-style: chr3-100467338-G-A.
Other names: c.1166G>A, p.Gly389Asp (NM_001007565.2, NM_001195478.2); c.1154G>A, p.Gly385Asp (NM_001195479.2); short protein forms G385D, G389D.
Identifiers: ClinVar variation 2947528 (VCV002947528.3), dbSNP rs191501984, ClinGen allele CA2517264.
Genomic context (GRCh38, chr3:100,748,494, plus strand): 5'-GTACCATGACCCCTCCTCCAAGTGGGCCTAATCCTTATGCGCGTAACCGTCCTCCCTTTG[G>A]TCAGGGCTATACCCAACCTGGACCTGGTTATCGATAAGGAGGCTCCTCTACACCAATTAA-3'
Protein context (NP_006061.2, residues 379-399): NPYARNRPPF[Gly389Asp]QGYTQPGPGY

ClinVar aggregate classification (germline): Uncertain significance (1 of 4 stars; one submission).

Conditions:
Hereditary motor and sensory neuropathy, Okinawa type (HMSNO). Also called: HEREDITARY MOTOR AND SENSORY NEUROPATHY, PROXIMAL TYPE. Identifiers: Orphanet 90117, MedGen C1858338, MONDO:0011468, OMIM 604484.
Hereditary spastic paraplegia 57. Also called: Spastic paraplegia 57, autosomal recessive. Identifiers: Orphanet 431329, MedGen C3714897, MONDO:0014295, OMIM 615658.

Allele frequency attached by ClinVar (database versions not stated): ExAC 0.00001; gnomAD 0.00001; 1000 Genomes Project 0.00020; 1000 Genomes Project 30x 0.00031.

Submission:

Labcorp Genetics (formerly Invitae), Labcorp
Classification: Uncertain significance for Hereditary motor and sensory neuropathy, Okinawa type; Hereditary spastic paraplegia 57. Last evaluated: 2023-05-06. Review status: criteria provided, single submitter. Criteria: Invitae Variant Classification Sherloc (09022015). Collection method: clinical testing. Allele origin: germline.
Comment: In summary, the available evidence is currently insufficient to determine the role of this variant in disease. Therefore, it has been classified as a Variant of Uncertain Significance. Advanced modeling of protein sequence and biophysical properties (such as structural, functional, and spatial information, amino acid conservation, physicochemical variation, residue mobility, and thermodynamic stability) performed at Invitae indicates that this missense variant is not expected to disrupt TFG protein function. This variant has not been reported in the literature in individuals affected with TFG-related conditions. This variant is present in population databases (rs191501984, gnomAD 0.0009%). This sequence change replaces glycine, which is neutral and non-polar, with aspartic acid, which is acidic and polar, at codon 389 of the TFG protein (p.Gly389Asp).